The following is an entry in ClinVar:

NM_020774.4(MIB1):c.2976T>A (p.Cys992Ter)

Gene: MIB1 (MIB E3 ubiquitin protein ligase 1; plus strand). Cytogenetic location: 18q11.2.
Variant type: single nucleotide variant.
Coding change: c.2976T>A on transcript NM_020774.4 (MANE Select); coding-DNA position 2976, T replaced by A.
Protein change: p.Cys992Ter; replaces cysteine 992 with a stop codon.
Molecular consequence: nonsense.
Genome position (GRCh38, 1-based): chr18:21,864,621, T>A. VCF-style: chr18-21864621-T-A. GRCh37 (hg19) VCF-style: chr18-19444582-T-A.
Other names: short protein forms C992*.
Identifiers: ClinVar variation 3390239 (VCV003390239.14).

ClinVar aggregate classification (germline): Uncertain significance (1 of 4 stars; one submission).

gnomAD v4.1: 1 of 1,613,900 alleles (0.000062%); highest among the groups gnomAD compares: South Asian, 0.0011%; no homozygotes.

Submission:

CeGaT Center for Human Genetics Tuebingen
Classification: Uncertain significance. Last evaluated: 2024-11-01. Review status: criteria provided, single submitter. Criteria: CeGaT Center For Human Genetics Tuebingen Variant Classification Criteria Version 2. Collection method: clinical testing. Allele origin: germline. Affected: yes. Observed: 1 variant allele.
Comment: MIB1: PM2, PVS1:Moderate